The following is an entry in ClinVar:

NM_001278716.2(FBXL4):c.566G>T (p.Arg189Leu)

Gene: FBXL4 (F-box and leucine rich repeat protein 4; minus strand). Cytogenetic location: 6q16.2.
Variant type: single nucleotide variant.
Coding change: c.566G>T on transcript NM_001278716.2 (MANE Select); coding-DNA position 566, G replaced by T.
Protein change: p.Arg189Leu; replaces arginine 189 with leucine.
Molecular consequence: missense variant.
Genome position (GRCh38, 1-based): chr6:98,917,666, C>A on the plus strand (G>T on the coding strand, the complement: FBXL4 is on the minus strand). VCF-style: chr6-98917666-C-A. GRCh37 (hg19) VCF-style: chr6-99365542-C-A.
Other names: c.566G>T, p.Arg189Leu (NM_012160.5); short protein forms R189L.
Identifiers: ClinVar variation 437600 (VCV000437600.1), dbSNP rs769532824, ClinGen allele CA3933653.

ClinVar aggregate classification (germline): Uncertain significance (1 of 4 stars; one submission).

Conditions:
Mitochondrial DNA depletion syndrome 13. Also called: FBXL4-Related Encephalomyopathic Mitochondrial DNA Depletion Syndrome; Mitochondrial DNA depletion syndrome 13 (encephalomyopathic type). Identifiers: Orphanet 369897, MedGen C3809592, MONDO:0014198, OMIM 615471.

Allele frequency attached by ClinVar (database versions not stated): gnomAD exomes below 0.00001; ExAC 0.00001; gnomAD 0.00001.
gnomAD v4.1: 3 of 1,612,942 alleles (0.00019%); highest among the groups gnomAD compares: African/African-American, 0.0013%; no homozygotes.

Submission:

Wong Mito Lab, Molecular and Human Genetics, Baylor College of Medicine
Classification: Uncertain significance for Mitochondrial DNA depletion syndrome 13. Last evaluated: 2017-08-10. Review status: criteria provided, single submitter. Criteria: ACMG Guidelines, 2015. Collection method: reference population. Allele origin: germline.
Comment: The NM_012160.4:c.566G>T (NP_036292.2:p.Arg189Leu) [GRCH38: NC_000006.12:g.98917666C>A] variant in FBXL4 gene is interpretated to be a Uncertain Significance - Conflicting Evidence based on ACMG guidelines (PMID: 25741868). This variant meets one or more of the following evidence codes reported in the ACMG-guideline. PM2:This variant is absent in key population databases. BP4:Computational evidence/predictors indicate no impact on the FBXL4 structure, function, or protein-protein interaction. Based on this evidence code ClinGen Pathogenicity Calculator (PMID:28081714) suggested that the variant is Uncertain Significance - Conflicting Evidence.